The following is an entry in ClinVar:

NM_002221.4(ITPKB):c.227G>T (p.Arg76Leu)

Genes: ITPKB (inositol-trisphosphate 3-kinase B; minus strand), LOC129932672 (ATAC-STARR-seq lymphoblastoid silent region 1890; plus strand). Cytogenetic location: 1q42.12.
Variant type: single nucleotide variant.
Coding change: c.227G>T on transcript NM_002221.4 (MANE Select); coding-DNA position 227, G replaced by T.
Protein change: p.Arg76Leu; replaces arginine 76 with leucine.
Molecular consequence: missense variant.
Genome position (GRCh38, 1-based): chr1:226,737,232, C>A on the plus strand (G>T on the coding strand, the complement: ITPKB is on the minus strand). VCF-style: chr1-226737232-C-A. GRCh37 (hg19) VCF-style: chr1-226924933-C-A.
Other names: c.227G>T, p.Arg76Leu (NM_001388404.1); short protein forms R76L.
Identifiers: ClinVar variation 4848927 (VCV004848927.1).

ClinVar aggregate classification (germline): Uncertain significance (1 of 4 stars; one submission).

gnomAD v4.1: 310 of 1,561,060 alleles (0.02%); highest among the groups gnomAD compares: African/African-American, 0.38%; no homozygotes.

Submission:

Women's Health and Genetics/Laboratory Corporation of America, LabCorp
Classification: Uncertain significance. Last evaluated: 2026-04-03. Review status: criteria provided, single submitter. Criteria: LabCorp Variant Classification Summary - May 2015. Collection method: clinical testing. Allele origin: germline.
Comment: Variant summary: ITPKB c.227G>T (p.Arg76Leu) results in a non-conservative amino acid change in the encoded protein sequence. Algorithms developed to predict the effect of missense changes on protein structure and function are either unavailable or do not agree on the potential impact of this missense change. The variant allele was found at a frequency of 0.00028 in 162360 control chromosomes. This frequency is not significantly higher than estimated for disease-causing variants in ITPKB, allowing no conclusion about variant significance. To our knowledge, no occurrence of c.227G>T in individuals affected with ITPKB-related conditions and no experimental evidence demonstrating its impact on protein function have been reported. No submitters have cited clinical-significance assessments for this variant to ClinVar. Based on the evidence outlined above, the variant was classified as uncertain significance.